The following is an entry in ClinVar:

NM_024596.5(MCPH1):c.2426A>C (p.Lys809Thr)

Genes: MCPH1 (microcephalin 1; plus strand), MCPH1-AS1 (MCPH1 antisense RNA 1; minus strand). Cytogenetic location: 8p23.1.
Variant type: single nucleotide variant.
Coding change: c.2426A>C on transcript NM_024596.5 (MANE Select); coding-DNA position 2426, A replaced by C.
Protein change: p.Lys809Thr; replaces lysine 809 with threonine.
Molecular consequence: missense variant.
Genome position (GRCh38, 1-based): chr8:6,621,665, A>C. VCF-style: chr8-6621665-A-C. GRCh37 (hg19) VCF-style: chr8-6479186-A-C.
Other names: c.2426A>C, p.Lys809Thr (NM_001322042.2, NM_001363979.1, NM_001410917.1); c.2147A>C, p.Lys716Thr (NM_001363980.2); c.2426A>C (NM_024596.3); short protein forms K809T, K716T.
Identifiers: ClinVar variation 2186041 (VCV002186041.2), dbSNP rs750765497, ClinGen allele CA4611531.

ClinVar aggregate classification (germline): Uncertain significance. Review status: criteria provided, multiple submitters, no conflicts (2 of 4 stars). 2 submissions from 2 submitters: Uncertain significance (2). Last evaluated 2023-11-09.

Conditions:
Inborn genetic diseases. Identifiers: MedGen C0950123, MeSH D030342.

Allele frequency attached by ClinVar (database versions not stated): gnomAD 0.00002; TOPMed 0.00003; ExAC 0.00006.
gnomAD v4.1: 103 of 1,614,088 alleles (0.0064%); highest among the groups gnomAD compares: Non-Finnish European, 0.0082%; 1 homozygote.

Submissions (2):

Ambry Genetics
Classification: Uncertain significance for Inborn genetic diseases. Last evaluated: 2023-11-09. Review status: criteria provided, single submitter. Criteria: Ambry Variant Classification Scheme 2023. Collection method: clinical testing. Allele origin: germline.

Labcorp Genetics (formerly Invitae), Labcorp
Classification: Uncertain significance. Last evaluated: 2022-08-02. Review status: criteria provided, single submitter. Criteria: Invitae Variant Classification Sherloc (09022015). Collection method: clinical testing. Allele origin: germline.
Comment: This sequence change replaces lysine, which is basic and polar, with threonine, which is neutral and polar, at codon 809 of the MCPH1 protein (p.Lys809Thr). This variant is present in population databases (rs750765497, gnomAD 0.009%). This variant has not been reported in the literature in individuals affected with MCPH1-related conditions. Algorithms developed to predict the effect of missense changes on protein structure and function output the following: SIFT: "Not Available"; PolyPhen-2: "Benign"; Align-GVGD: "Not Available". The threonine amino acid residue is found in multiple mammalian species, which suggests that this missense change does not adversely affect protein function. In summary, the available evidence is currently insufficient to determine the role of this variant in disease. Therefore, it has been classified as a Variant of Uncertain Significance.